The following is an entry in ClinVar:

NM_000256.3(MYBPC3):c.760C>G (p.Leu254Val)

Gene: MYBPC3 (myosin binding protein C3; minus strand). Cytogenetic location: 11p11.2.
Variant type: single nucleotide variant.
Coding change: c.760C>G on transcript NM_000256.3 (MANE Select); coding-DNA position 760, C replaced by G.
Protein change: p.Leu254Val; replaces leucine 254 with valine.
Molecular consequence: missense variant.
Genome position (GRCh38, 1-based): chr11:47,348,436, G>C on the plus strand (C>G on the coding strand, the complement: MYBPC3 is on the minus strand). VCF-style: chr11-47348436-G-C. GRCh37 (hg19) VCF-style: chr11-47369987-G-C.
Other names: short protein forms L254V.
Identifiers: ClinVar variation 1402538 (VCV001402538.8), dbSNP rs1228355472, ClinGen allele CA380334269.

ClinVar aggregate classification (germline): Uncertain significance (1 of 4 stars; one submission).

Conditions:
Hypertrophic cardiomyopathy. Also called: HYPERTROPHIC MYOCARDIOPATHY. Identifiers: Orphanet 217569, MedGen C0007194, MeSH D002312, MONDO:0005045, HP:0001639.

Allele frequency attached by ClinVar (database versions not stated): gnomAD 0.00001.
gnomAD v4.1: 1 of 1,611,724 alleles (0.000062%); highest among the groups gnomAD compares: African/African-American, 0.0013%; no homozygotes.

Submission:

Labcorp Genetics (formerly Invitae), Labcorp
Classification: Uncertain significance for Hypertrophic cardiomyopathy. Last evaluated: 2021-06-23. Review status: criteria provided, single submitter. Criteria: Invitae Variant Classification Sherloc (09022015). Collection method: clinical testing. Allele origin: germline.
Comment: Algorithms developed to predict the effect of missense changes on protein structure and function (SIFT, PolyPhen-2, Align-GVGD) all suggest that this variant is likely to be disruptive, but these predictions have not been confirmed by published functional studies and their clinical significance is uncertain. In summary, the available evidence is currently insufficient to determine the role of this variant in disease. Therefore, it has been classified as a Variant of Uncertain Significance. This variant has not been reported in the literature in individuals with MYBPC3-related conditions. This variant is not present in population databases (ExAC no frequency). This sequence change replaces leucine with valine at codon 254 of the MYBPC3 protein (p.Leu254Val). The leucine residue is highly conserved and there is a small physicochemical difference between leucine and valine.